The following is an entry in ClinVar:

ClinVar aggregate classification (germline): Uncertain significance (1 of 4 stars; one submission).

Submission:

GeneDx
Classification: Uncertain significance. Last evaluated: 2016-11-28. Review status: criteria provided, single submitter. Criteria: GeneDx Variant Classification (06012015). Collection method: clinical testing. Allele origin: germline. Affected: yes.
Comment: A variant of uncertain significance has been identified in the CACNA1A gene. The P1862S variant has not been published as a pathogenic variant, nor has it been reported as a benign variant to our knowledge. It was not observed in approximately 5,100 individuals of European and African American ancestry in the NHLBI Exome Sequencing Project, indicating it is not a common benign variant in these populations. The P1862S variant is a non-conservative amino acid substitution, which is likely to impact secondary protein structure as these residues differ in polarity, charge, size and/or other properties. Additionally, this substitution occurs at a position that is conserved across species, and in silico analysis predicts this variant is probably damaging to the protein structure/function. Therefore, based on the currently available information, it is unclear whether this variant is a pathogenic variant or a rare benign variant.

NM_001127221.2(CACNA1A):c.5584C>T (p.Pro1862Ser)

Gene: CACNA1A (calcium voltage-gated channel subunit alpha1 A; minus strand). Cytogenetic location: 19p13.13.
Variant type: single nucleotide variant.
Coding change: c.5584C>T on transcript NM_001127221.2 (MANE Plus Clinical); coding-DNA position 5584, C replaced by T.
Protein change: p.Pro1862Ser; replaces proline 1862 with serine.
Molecular consequence: missense variant. On other transcripts: intron variant (4).
Genome position (GRCh38, 1-based): chr19:13,228,743, G>A on the plus strand (C>T on the coding strand, the complement: CACNA1A is on the minus strand). VCF-style: chr19-13228743-G-A. GRCh37 (hg19) VCF-style: chr19-13339557-G-A.
Other names: c.5529-1216C>T (NM_001127222.2); c.5538-1216C>T (NM_001174080.2); c.5547-1216C>T (NM_000068.4, NM_023035.3); short protein forms P1862S.
Identifiers: ClinVar variation 373659 (VCV000373659.1), dbSNP rs1057518533, ClinGen allele CA16043074.